The following is an entry in ClinVar:

ClinVar aggregate classification (germline): Uncertain significance (1 of 4 stars; one submission).

Allele frequency attached by ClinVar (database versions not stated): gnomAD exomes 0.00001; ExAC 0.00001; gnomAD 0.00001.

Submission:

Labcorp Genetics (formerly Invitae), Labcorp
Classification: Uncertain significance. Last evaluated: 2022-03-21. Review status: criteria provided, single submitter. Criteria: Invitae Variant Classification Sherloc (09022015). Collection method: clinical testing. Allele origin: germline.
Comment: In summary, the available evidence is currently insufficient to determine the role of this variant in disease. Therefore, it has been classified as a Variant of Uncertain Significance. Algorithms developed to predict the effect of missense changes on protein structure and function are either unavailable or do not agree on the potential impact of this missense change (SIFT: "Tolerated"; PolyPhen-2: "Possibly Damaging"; Align-GVGD: "Class C0"). This variant has not been reported in the literature in individuals affected with FGB-related conditions. This variant is present in population databases (rs755602626, gnomAD 0.003%). This sequence change replaces glycine, which is neutral and non-polar, with arginine, which is basic and polar, at codon 358 of the FGB protein (p.Gly358Arg).

NM_005141.5(FGB):c.1072G>A (p.Gly358Arg)

Gene: FGB (fibrinogen beta chain; plus strand). Cytogenetic location: 4q31.3.
Variant type: single nucleotide variant.
Coding change: c.1072G>A on transcript NM_005141.5 (MANE Select); coding-DNA position 1072, G replaced by A.
Protein change: p.Gly358Arg; replaces glycine 358 with arginine.
Molecular consequence: missense variant.
Genome position (GRCh38, 1-based): chr4:154,569,627, G>A. VCF-style: chr4-154569627-G-A. GRCh37 (hg19) VCF-style: chr4-155490779-G-A.
Other names: c.895G>A, p.Gly299Arg (NM_001184741.1); c.940G>A, p.Gly314Arg (NM_001382759.1); c.1072G>A, p.Gly358Arg (NM_001382760.1, NM_001382761.1, NM_001382764.1 and 1 more transcripts); c.772G>A, p.Gly258Arg (NM_001382762.1); c.1063G>A, p.Gly355Arg (NM_001382763.1); short protein forms G314R, G355R, G358R, G299R, G258R.
Identifiers: ClinVar variation 2175252 (VCV002175252.4), dbSNP rs755602626, ClinGen allele CA3114716.